The following is an entry in ClinVar:

NM_015166.4(MLC1):c.95C>T (p.Ala32Val)

Gene: MLC1 (modulator of VRAC current 1; minus strand). Cytogenetic location: 22q13.33.
Variant type: single nucleotide variant.
Coding change: c.95C>T on transcript NM_015166.4 (MANE Select); coding-DNA position 95, C replaced by T.
Protein change: p.Ala32Val; replaces alanine 32 with valine.
Molecular consequence: missense variant. On other transcripts: non-coding transcript variant (3), intron variant (1).
Genome position (GRCh38, 1-based): chr22:50,084,808, G>A on the plus strand (C>T on the coding strand, the complement: MLC1 is on the minus strand). VCF-style: chr22-50084808-G-A. GRCh37 (hg19) VCF-style: chr22-50523237-G-A.
Other names: c.95C>T, p.Ala32Val (NM_001376472.1, NM_001376473.1, NM_001376474.1 and 10 more transcripts); c.-59+547C>T (NM_001376484.1); short protein forms A32V.
Identifiers: ClinVar variation 555907 (VCV000555907.18), dbSNP rs200382943, ClinGen allele CA10303683.

ClinVar aggregate classification (germline): Conflicting classifications of pathogenicity. Review status: criteria provided, conflicting classifications (1 of 4 stars). 5 submissions from 5 submitters: Uncertain significance (1); Likely benign (2). 2 of the submissions do not count toward it. Last evaluated 2026-01-17.

Conditions:
Megalencephalic leukoencephalopathy with subcortical cysts. Also called: VAN DER KNAAP DISEASE. Identifiers: Orphanet 2478, MedGen C1858854, MONDO:0011391.
MLC1-related disorder. Also called: MLC1-related condition.
Megalencephalic leukoencephalopathy with subcortical cysts 1 (MLC1). Also called: LEUKOENCEPHALOPATHY WITH SWELLING AND CYSTS; VACUOLATING MEGALENCEPHALIC LEUKOENCEPHALOPATHY WITH SUBCORTICAL CYSTS. Identifiers: Orphanet 2478, MedGen C5779875, MONDO:0024555, OMIM 604004.

Allele frequency attached by ClinVar (database versions not stated): gnomAD exomes 0.00007 and 0.00020; gnomAD 0.00010 and 0.00012; TOPMed 0.00015; ExAC 0.00017; 1000 Genomes Project 30x 0.00047; 1000 Genomes Project 0.00060.
gnomAD v4.1: 124 of 1,614,004 alleles (0.0077%); highest among the groups gnomAD compares: East Asian, 0.22%; 1 homozygote.

Submissions (5):

Labcorp Genetics (formerly Invitae), Labcorp
Classification: Likely benign. Last evaluated: 2026-01-17. Review status: criteria provided, single submitter. Criteria: Invitae Variant Classification Sherloc (09022015). Collection method: clinical testing. Allele origin: germline.

PreventionGenetics, part of Exact Sciences
Classification: Likely benign for MLC1-related condition. Last evaluated: 2024-11-25. Review status: criteria provided, single submitter. Criteria: ACMG Guidelines, 2015. Collection method: clinical testing. Allele origin: germline.
Comment: This variant is classified as likely benign based on ACMG/AMP sequence variant interpretation guidelines (Richards et al. 2015 PMID: 25741868, with internal and published modifications).

Illumina Laboratory Services, Illumina
Classification: Uncertain significance for Megalencephalic leukoencephalopathy with subcortical cysts 1. Last evaluated: 2017-04-27. Review status: criteria provided, single submitter. Criteria: ICSL Variant Classification Criteria 13 December 2019. Collection method: clinical testing. Allele origin: germline.

Natera, Inc.
Classification: Likely benign for Megalencephalic leukoencephalopathy with subcortical cysts. Last evaluated: 2020-02-14. Review status: no assertion criteria provided. Collection method: clinical testing. Allele origin: germline. Not counted in ClinVar's aggregate classification.

Counsyl
Classification: Uncertain significance for Megalencephalic leukoencephalopathy with subcortical cysts 1. Last evaluated: 2018-01-02. Review status: no assertion criteria provided. Collection method: clinical testing. Allele origin: unknown. Not counted in ClinVar's aggregate classification.

Literature cited by the submitters: PubMed 21160490 (cited by Counsyl); PubMed 22416245 (cited by Counsyl); PubMed 27322623 (cited by Counsyl).